The following is an entry in ClinVar:

ClinVar aggregate classification (germline): Uncertain significance (1 of 4 stars; one submission).

Allele frequency attached by ClinVar (database versions not stated): gnomAD exomes below 0.00001; TOPMed 0.00001.
gnomAD v4.1: 3 of 1,614,028 alleles (0.00019%); highest among the groups gnomAD compares: Admixed American, 0.0017%; no homozygotes.

Submission:

Labcorp Genetics (formerly Invitae), Labcorp
Classification: Uncertain significance. Last evaluated: 2025-01-06. Review status: criteria provided, single submitter. Criteria: Invitae Variant Classification Sherloc (09022015). Collection method: clinical testing. Allele origin: germline.
Comment: This sequence change replaces asparagine, which is neutral and polar, with tyrosine, which is neutral and polar, at codon 117 of the TM4SF20 protein (p.Asn117Tyr). This variant is present in population databases (no rsID available, gnomAD 0.003%). This variant has not been reported in the literature in individuals affected with TM4SF20-related conditions. ClinVar contains an entry for this variant (Variation ID: 2180916). An algorithm developed to predict the effect of missense changes on protein structure and function (PolyPhen-2) suggests that this variant is likely to be disruptive. In summary, the available evidence is currently insufficient to determine the role of this variant in disease. Therefore, it has been classified as a Variant of Uncertain Significance.

NM_024795.4(TM4SF20):c.349A>T (p.Asn117Tyr)

Gene: TM4SF20 (transmembrane 4 L six family member 20; minus strand). Cytogenetic location: 2q36.3.
Variant type: single nucleotide variant.
Coding change: c.349A>T on transcript NM_024795.4 (MANE Select); coding-DNA position 349, A replaced by T.
Protein change: p.Asn117Tyr; replaces asparagine 117 with tyrosine.
Molecular consequence: missense variant.
Genome position (GRCh38, 1-based): chr2:227,366,145, T>A on the plus strand (A>T on the coding strand, the complement: TM4SF20 is on the minus strand). VCF-style: chr2-227366145-T-A. GRCh37 (hg19) VCF-style: chr2-228230861-T-A.
Other names: short protein forms N117Y.
Identifiers: ClinVar variation 2180916 (VCV002180916.4), dbSNP rs941525113, ClinGen allele CA66613852.